The following is an entry in ClinVar:

NM_025179.4(PLXNA2):c.1413G>A (p.Glu471=)

Gene: PLXNA2 (plexin A2; minus strand). Cytogenetic location: 1q32.2.
Variant type: single nucleotide variant.
Coding change: c.1413G>A on transcript NM_025179.4 (MANE Select); coding-DNA position 1413, G replaced by A.
Protein change: p.Glu471=; no amino-acid change (glutamic acid 471 retained).
Molecular consequence: synonymous variant.
Genome position (GRCh38, 1-based): chr1:208,142,422, C>T on the plus strand (G>A on the coding strand, the complement: PLXNA2 is on the minus strand). VCF-style: chr1-208142422-C-T. GRCh37 (hg19) VCF-style: chr1-208315767-C-T.
Other names: c.1413G>A (NM_025179.3).
Identifiers: ClinVar variation 2052888 (VCV002052888.6), dbSNP rs764412969, ClinGen allele CA1373853.

ClinVar aggregate classification (germline): Benign. Review status: criteria provided, single submitter (1 of 4 stars). 2 submissions from 2 submitters: Benign (1). 1 of the submissions does not count toward it. Last evaluated 2025-07-22.

Conditions:
PLXNA2-related disorder. Also called: PLXNA2-related condition.

Allele frequency attached by ClinVar (database versions not stated): gnomAD 0.00005; TOPMed 0.00018.
gnomAD v4.1: 98 of 1,613,522 alleles (0.0061%); highest among the groups gnomAD compares: Admixed American, 0.16%; 2 homozygotes.

Submissions (2):

Labcorp Genetics (formerly Invitae), Labcorp
Classification: Benign. Last evaluated: 2025-07-22. Review status: criteria provided, single submitter. Criteria: Invitae Variant Classification Sherloc (09022015). Collection method: clinical testing. Allele origin: germline.

PreventionGenetics, part of Exact Sciences
Classification: Likely benign for PLXNA2-related condition. Last evaluated: 2021-06-17. Review status: no assertion criteria provided. Collection method: clinical testing. Allele origin: germline. Not counted in ClinVar's aggregate classification.
Comment: This variant is classified as likely benign based on ACMG/AMP sequence variant interpretation guidelines (Richards et al. 2015 PMID: 25741868, with internal and published modifications).